The following is an entry in ClinVar:

ClinVar aggregate classification (germline): Uncertain significance. Review status: criteria provided, multiple submitters, no conflicts (2 of 4 stars). 2 submissions from 2 submitters: Uncertain significance (2). Last evaluated 2025-08-31.

Conditions:
Anterior segment dysgenesis 7 (ASGD7). Also called: SCLEROCORNEA WITH OTHER OCULAR ANOMALIES; Anterior segment dysgenesis 7, with sclerocornea. Identifiers: Orphanet 289499, MedGen C3151617, MONDO:0010015, OMIM 269400.
Inborn genetic diseases. Identifiers: MedGen C0950123, MeSH D030342.

Allele frequency attached by ClinVar (database versions not stated): gnomAD 0.00005; ExAC 0.00009; gnomAD exomes 0.00010.
gnomAD v4.1: 164 of 1,613,092 alleles (0.01%); highest among the groups gnomAD compares: Middle Eastern, 0.035%; no homozygotes.

Submissions (2):

Labcorp Genetics (formerly Invitae), Labcorp
Classification: Uncertain significance for Anterior segment dysgenesis 7. Last evaluated: 2025-08-31. Review status: criteria provided, single submitter. Criteria: Invitae Variant Classification Sherloc (09022015). Collection method: clinical testing. Allele origin: germline.
Comment: This sequence change replaces arginine, which is basic and polar, with glutamine, which is neutral and polar, at codon 372 of the PXDN protein (p.Arg372Gln). This variant is present in population databases (rs201209902, gnomAD 0.06%). This variant has not been reported in the literature in individuals affected with PXDN-related conditions. ClinVar contains an entry for this variant (Variation ID: 2403343). Invitae Evidence Modeling of protein sequence and biophysical properties (such as structural, functional, and spatial information, amino acid conservation, physicochemical variation, residue mobility, and thermodynamic stability) indicates that this missense variant is not expected to disrupt PXDN protein function with a negative predictive value of 80%. In summary, the available evidence is currently insufficient to determine the role of this variant in disease. Therefore, it has been classified as a Variant of Uncertain Significance.

Ambry Genetics
Classification: Uncertain significance for Inborn genetic diseases. Last evaluated: 2022-06-10. Review status: criteria provided, single submitter. Criteria: Ambry Variant Classification Scheme 2023. Collection method: clinical testing. Allele origin: germline.

NM_012293.3(PXDN):c.1115G>A (p.Arg372Gln)

Gene: PXDN (peroxidasin; minus strand). Cytogenetic location: 2p25.3.
Variant type: single nucleotide variant.
Coding change: c.1115G>A on transcript NM_012293.3 (MANE Select); coding-DNA position 1115, G replaced by A.
Protein change: p.Arg372Gln; replaces arginine 372 with glutamine.
Molecular consequence: missense variant.
Genome position (GRCh38, 1-based): chr2:1,666,390, C>T on the plus strand (G>A on the coding strand, the complement: PXDN is on the minus strand). VCF-style: chr2-1666390-C-T. GRCh37 (hg19) VCF-style: chr2-1670162-C-T.
Other names: short protein forms R372Q.
Identifiers: ClinVar variation 2403343 (VCV002403343.3), dbSNP rs201209902, ClinGen allele CA1513430.